The following is an entry in ClinVar:

NM_014112.5(TRPS1):c.2823+2T>G

Gene: TRPS1 (transcriptional repressor GATA binding 1; minus strand). Cytogenetic location: 8q23.3.
Variant type: single nucleotide variant.
Coding change: c.2823+2T>G on transcript NM_014112.5 (MANE Select); the canonical splice donor site of the intron after coding-DNA position 2823, T replaced by G.
Molecular consequence: splice donor variant.
Genome position (GRCh38, 1-based): chr8:115,418,328, A>C on the plus strand (T>G on the coding strand, the complement: TRPS1 is on the minus strand). VCF-style: chr8-115418328-A-C. GRCh37 (hg19) VCF-style: chr8-116430556-A-C.
Other names: c.2784+2T>G (NM_001330599.2); c.2802+2T>G (NM_001282903.3); c.2796+2T>G (NM_001282902.3).
Identifiers: ClinVar variation 3251110 (VCV003251110.18), dbSNP rs2536588340.
Genomic context (GRCh38, chr8:115,418,328, plus strand): 5'-CCACAGACCAGGCCAACACTGCTTTATAAAGCTTTTCCTGAAAGAGTGGAACAAGTTCTT[A>C]CCGAGTGAAGCTTCTGGTAGAGGCCACACGCGTTGCATACATATCCGCCATTTGCATTCT-3'

ClinVar aggregate classification (germline): Likely pathogenic (1 of 4 stars; one submission).

Submission:

CeGaT Center for Human Genetics Tuebingen
Classification: Likely pathogenic. Last evaluated: 2024-06-01. Review status: criteria provided, single submitter. Criteria: CeGaT Center For Human Genetics Tuebingen Variant Classification Criteria Version 2. Collection method: clinical testing. Allele origin: germline. Affected: yes. Observed: 1 variant allele.
Comment: TRPS1: PVS1:Strong, PM2, PP4